The following is an entry in ClinVar:

NM_001232.4(CASQ2):c.737G>C (p.Arg246Thr)

Gene: CASQ2 (calsequestrin 2; minus strand). Cytogenetic location: 1p13.1.
Variant type: single nucleotide variant.
Coding change: c.737G>C on transcript NM_001232.4 (MANE Select); coding-DNA position 737, G replaced by C.
Protein change: p.Arg246Thr; replaces arginine 246 with threonine.
Molecular consequence: missense variant.
Genome position (GRCh38, 1-based): chr1:115,726,992, C>G on the plus strand (G>C on the coding strand, the complement: CASQ2 is on the minus strand). VCF-style: chr1-115726992-C-G. GRCh37 (hg19) VCF-style: chr1-116269613-C-G.
Other names: short protein forms R246T.
Identifiers: ClinVar variation 3995701 (VCV003995701.1).

ClinVar aggregate classification (germline): Uncertain significance (1 of 4 stars; one submission).

Conditions:
Cardiovascular phenotype. Identifiers: MedGen CN230736.

Submission:

Ambry Genetics
Classification: Uncertain significance for Cardiovascular phenotype. Last evaluated: 2025-05-08. Review status: criteria provided, single submitter. Criteria: Ambry Variant Classification Scheme 2023. Collection method: clinical testing. Allele origin: germline.
Comment: The p.R246T variant (also known as c.737G>C), located in coding exon 6 of the CASQ2 gene, results from a G to C substitution at nucleotide position 737. The amino acid change results in arginine to threonine at codon 246, an amino acid with similar properties. However, this change occurs in the last base pair of coding exon 6, which makes it likely to have some effect on normal mRNA splicing. This nucleotide position is highly conserved in available vertebrate species. This amino acid position is highly conserved in available vertebrate species. In silico splice site analysis predicts that this alteration will weaken the native splice donor site and may result in the creation or strengthening of a novel splice donor site. In addition, as a missense substitution this is predicted to be deleterious by in silico analysis. Based on the available evidence, the clinical significance of this variant remains unclear.